The following is an entry in ClinVar:

NM_006303.4(AIMP2):c.71T>G (p.Met24Arg)

Gene: AIMP2 (aminoacyl tRNA synthetase complex interacting multifunctional protein 2; plus strand). Cytogenetic location: 7p22.1.
Variant type: single nucleotide variant.
Coding change: c.71T>G on transcript NM_006303.4 (MANE Select); coding-DNA position 71, T replaced by G.
Protein change: p.Met24Arg; replaces methionine 24 with arginine.
Molecular consequence: missense variant. On other transcripts: 5 prime UTR variant (1), intron variant (3).
Genome position (GRCh38, 1-based): chr7:6,009,434, T>G. VCF-style: chr7-6009434-T-G. GRCh37 (hg19) VCF-style: chr7-6049065-T-G.
Other names: c.71T>G, p.Met24Arg (NM_001326607.2); c.-250T>G (NM_001326609.2); c.-238+56T>G (NM_001326611.3); c.-251+56T>G (NM_001326610.2); c.15+56T>G (NM_001326606.2); short protein forms M24R.
Identifiers: ClinVar variation 4855910 (VCV004855910.1).
Genomic context (GRCh38, chr7:6,009,434, plus strand): 5'-ACCAGGTAAAGCCCTATCACGGGGGCGGCGCGCCTCTCCGTGTGGAGCTTCCCACCTGCA[T>G]GTACCGGCTCCCCAACGTGCACGGCAGGAGCTACGGCCCAGCGCCGGGCGCTGGCCACGT-3'
Protein context (NP_006294.2, residues 14-34): APLRVELPTC[Met24Arg]YRLPNVHGRS

ClinVar aggregate classification (germline): Uncertain significance (1 of 4 stars; one submission).

Conditions:
Leukodystrophy, hypomyelinating, 17. Identifiers: MedGen C4693912, MONDO:0054817, OMIM 618006.

gnomAD v4.1: 4 of 1,611,192 alleles (0.00025%); highest among the groups gnomAD compares: Non-Finnish European, 0.00034%; no homozygotes.

Submission:

3billion
Classification: Uncertain significance for Leukodystrophy, hypomyelinating, 17. Last evaluated: 2025-06-27. Review status: criteria provided, single submitter. Criteria: ACMG Guidelines, 2015. Collection method: clinical testing. Allele origin: germline. Affected: yes.
Comment: The variant is observed at an extremely low frequency in the gnomAD v4.1.0 dataset (total allele frequency: <0.001%). Predicted Consequence/Location: Missense variant. The majority of the known disease-causing variants of this gene are variants expected to result in premature termination of the protein. Damaging effect on gene or gene product predicted by in silico programs is uncertain [REVEL: 0.46 (damaging >=0.6, benign <0.4), 3Cnet: 0.01 (damaging >0.75, benign <0.1)]. Therefore, this variant is classified as VUS according to the recommendation of ACMG/AMP guideline.